The following is an entry in ClinVar:

ClinVar aggregate classification (germline): Uncertain significance. Review status: criteria provided, multiple submitters, no conflicts (2 of 4 stars). 3 submissions from 3 submitters: Uncertain significance (2). 1 of the submissions does not count toward it. Last evaluated 2024-12-25.

Conditions:
Inborn genetic diseases. Identifiers: MedGen C0950123, MeSH D030342.
FANCA-related disorder. Also called: FANCA-related condition.
Fanconi anemia (FA). Also called: Fanconi's anemia. Identifiers: Orphanet 84, MedGen C0015625, MeSH D005199, MONDO:0019391.

Allele frequency attached by ClinVar (database versions not stated): gnomAD exomes 0.00001.
gnomAD v4.1: 9 of 1,614,196 alleles (0.00056%); highest among the groups gnomAD compares: Non-Finnish European, 0.00076%; no homozygotes.

Submissions (3):

Ambry Genetics
Classification: Uncertain significance for Inborn genetic diseases. Last evaluated: 2024-12-25. Review status: criteria provided, single submitter. Criteria: Ambry Variant Classification Scheme 2023. Collection method: clinical testing. Allele origin: germline.
Comment: The p.L711P variant (also known as c.2132T>C), located in coding exon 23 of the FANCA gene, results from a T to C substitution at nucleotide position 2132. The leucine at codon 711 is replaced by proline, an amino acid with similar properties. This amino acid position is conserved. In addition, the in silico prediction for this alteration is inconclusive. Based on the available evidence, the clinical significance of this variant remains unclear.

Labcorp Genetics (formerly Invitae), Labcorp
Classification: Uncertain significance for Fanconi anemia. Last evaluated: 2022-06-26. Review status: criteria provided, single submitter. Criteria: Invitae Variant Classification Sherloc (09022015). Collection method: clinical testing. Allele origin: germline.
Comment: This sequence change replaces leucine, which is neutral and non-polar, with proline, which is neutral and non-polar, at codon 711 of the FANCA protein (p.Leu711Pro). This variant is not present in population databases (gnomAD no frequency). This variant has not been reported in the literature in individuals affected with FANCA-related conditions. Advanced modeling of protein sequence and biophysical properties (such as structural, functional, and spatial information, amino acid conservation, physicochemical variation, residue mobility, and thermodynamic stability) performed at Invitae indicates that this missense variant is expected to disrupt FANCA protein function. In summary, the available evidence is currently insufficient to determine the role of this variant in disease. Therefore, it has been classified as a Variant of Uncertain Significance.

PreventionGenetics, part of Exact Sciences
Classification: Uncertain significance for FANCA-related condition. Last evaluated: 2024-09-06. Review status: no assertion criteria provided. Collection method: clinical testing. Allele origin: germline. Not counted in ClinVar's aggregate classification.
Comment: The FANCA c.2132T>C variant is predicted to result in the amino acid substitution p.Leu711Pro. To our knowledge, this variant has not been reported in the literature or in a large population database, indicating this variant is rare. At this time, the clinical significance of this variant is uncertain due to the absence of conclusive functional and genetic evidence.

NM_000135.4(FANCA):c.2132T>C (p.Leu711Pro)

Gene: FANCA (FA complementation group A; minus strand). Cytogenetic location: 16q24.3.
Variant type: single nucleotide variant.
Coding change: c.2132T>C on transcript NM_000135.4 (MANE Select); coding-DNA position 2132, T replaced by C.
Protein change: p.Leu711Pro; replaces leucine 711 with proline.
Molecular consequence: missense variant.
Genome position (GRCh38, 1-based): chr16:89,771,697, A>G on the plus strand (T>C on the coding strand, the complement: FANCA is on the minus strand). VCF-style: chr16-89771697-A-G. GRCh37 (hg19) VCF-style: chr16-89838105-A-G.
Other names: c.2132T>C, p.Leu711Pro (NM_001286167.3); c.2132T>C (NM_000135.2); short protein forms L711P.
Identifiers: ClinVar variation 1479340 (VCV001479340.7), dbSNP rs2039331306, ClinGen allele CA397447983.